The following is an entry in ClinVar:

ClinVar aggregate classification (germline): Pathogenic (1 of 4 stars; one submission).

Conditions:
Short-rib thoracic dysplasia 13 with or without polydactyly (SRTD13). Identifiers: Orphanet 474, MedGen C4225378, MONDO:0014577, OMIM 616300.

Submission:

Victorian Clinical Genetics Services, Murdoch Childrens Research Institute
Classification: Pathogenic for Short-rib thoracic dysplasia 13 with or without polydactyly. Last evaluated: 2026-02-04. Review status: criteria provided, single submitter. Criteria: ACMG Guidelines, 2015. Collection method: clinical testing. Allele origin: germline. Affected: no.
Comment: This variant is classified as Pathogenic. Evidence in support of pathogenic classification: Variant is predicted to cause nonsense-mediated decay (NMD) and loss of protein (premature termination codon is located at least 54 nucleotides upstream of the final exon-exon junction); Variant is absent from gnomAD (v2, v3 and v4); Other NMD-predicted variant(s) comparable to the one identified in this case have very strong previous evidence for pathogenicity (DECIPHER). Additional information: This variant is heterozygous; This gene is associated with autosomal recessive disease; This variant has no previous evidence of pathogenicity; No published evidence of segregation with disease has been identified for this variant; No published functional evidence has been identified for this variant; Loss of function is a known mechanism of disease in this gene and is associated with Joubert syndrome 31 (MIM#617761) and short-rib thoracic dysplasia 13 with or without polydactyly (MIM#616300).

NM_001375405.1(CEP120):c.1789_1792del (p.Ser597fs)

Gene: CEP120 (centrosomal protein 120; minus strand). Cytogenetic location: 5q23.2.
Variant type: Microsatellite.
Coding change: c.1789_1792del on transcript NM_001375405.1 (MANE Select); coding-DNA positions 1789 to 1792, 4 bases deleted (TCTT; older notation c.1789_1792delTCTT).
Protein change: p.Ser597fs; shifts the reading frame from serine 597.
Molecular consequence: frameshift variant. On other transcripts: non-coding transcript variant (1).
Genome position (GRCh38, 1-based): chr5:123,383,054-123,383,057, AAGA deleted on the plus strand (TCTT on the coding strand, the reverse complement: CEP120 is on the minus strand); deleting any 4 consecutive bases within chr5:123,383,054-123,383,061 gives the same sequence; the c. name uses the placement nearest the transcript's 3' end. VCF-style (leftmost placement, unchanged base first): chr5-123383053-TAAGA-T. GRCh37 (hg19) VCF-style: chr5-122718747-TAAGA-T.
Other names: c.1216_1219del, p.Ser406fs (NM_001375409.1, NM_001375408.1); c.1789_1792del, p.Ser597fs (NM_153223.4, NM_001375407.1); c.1711_1714del, p.Ser571fs (NM_001166226.2); c.1654_1657del, p.Ser552fs (NM_001375406.1); short protein forms S406fs, S552fs, S571fs, S597fs.
Identifiers: ClinVar variation 4531963 (VCV004531963.2).
Genomic context (GRCh38, chr5:123,383,053, plus strand): 5'-GAATCAGAGATAAAAATCTCACGCATTTTTACTAGTCCATAATCTTCTAGAGTCACTGTG[TAAGA>T]AAGATCTGCTATCCTGTTATTTGATCTACAAATAAAATAAGAAATACCTTAAAATTCACA-3'